The following is an entry in ClinVar:

NM_001378454.1(ALMS1):c.8165A>G (p.His2722Arg)

Gene: ALMS1 (ALMS1 centrosome and basal body associated protein; plus strand). Cytogenetic location: 2p13.1.
Variant type: single nucleotide variant.
Coding change: c.8165A>G on transcript NM_001378454.1 (MANE Select); coding-DNA position 8165, A replaced by G.
Protein change: p.His2722Arg; replaces histidine 2722 with arginine.
Molecular consequence: missense variant.
Genome position (GRCh38, 1-based): chr2:73,490,124, A>G. VCF-style: chr2-73490124-A-G. GRCh37 (hg19) VCF-style: chr2-73717251-A-G.
Other names: c.8168A>G, p.His2723Arg (NM_015120.4); short protein forms H2722R, H2723R.
Identifiers: ClinVar variation 4870930 (VCV004870930.1).

ClinVar aggregate classification (germline): Uncertain significance (1 of 4 stars; one submission).

Conditions:
Cardiovascular phenotype. Identifiers: MedGen CN230736.

gnomAD v4.1: 2 of 1,614,162 alleles (0.00012%); highest among the groups gnomAD compares: Non-Finnish European, 0.00017%; no homozygotes.

Submission:

Ambry Genetics
Classification: Uncertain significance for Cardiovascular phenotype. Last evaluated: 2026-05-18. Review status: criteria provided, single submitter. Criteria: Ambry Variant Classification Scheme 2023. Collection method: clinical testing. Allele origin: germline.
Comment: The p.H2723R variant (also known as c.8168A>G), located in coding exon 10 of the ALMS1 gene, results from an A to G substitution at nucleotide position 8168. The histidine at codon 2723 is replaced by arginine, an amino acid with highly similar properties. This amino acid position is highly conserved in available vertebrate species. In addition, the in silico prediction for this alteration is inconclusive. Based on the available evidence, the clinical significance of this variant remains unclear.